The following is an entry in ClinVar:

ClinVar aggregate classification (germline): Uncertain significance. Review status: criteria provided, multiple submitters, no conflicts (2 of 4 stars). 2 submissions from 2 submitters: Uncertain significance (2). Last evaluated 2025-08-14.

Conditions:
Inborn genetic diseases. Identifiers: MedGen C0950123, MeSH D030342.

Submissions (2):

Ambry Genetics
Classification: Uncertain significance for Inborn genetic diseases. Last evaluated: 2025-08-14. Review status: criteria provided, single submitter. Criteria: Ambry Variant Classification Scheme 2023. Collection method: clinical testing. Allele origin: germline.

Labcorp Genetics (formerly Invitae), Labcorp
Classification: Uncertain significance. Last evaluated: 2024-06-17. Review status: criteria provided, single submitter. Criteria: Invitae Variant Classification Sherloc (09022015). Collection method: clinical testing. Allele origin: germline.
Comment: This sequence change replaces valine, which is neutral and non-polar, with isoleucine, which is neutral and non-polar, at codon 244 of the RNF168 protein (p.Val244Ile). This variant is present in population databases (rs772726527, gnomAD 0.03%). This variant has not been reported in the literature in individuals affected with RNF168-related conditions. ClinVar contains an entry for this variant (Variation ID: 1927880). Algorithms developed to predict the effect of missense changes on protein structure and function output the following: SIFT: "Not Available"; PolyPhen-2: "Benign"; Align-GVGD: "Not Available". The isoleucine amino acid residue is found in multiple mammalian species, which suggests that this missense change does not adversely affect protein function. In summary, the available evidence is currently insufficient to determine the role of this variant in disease. Therefore, it has been classified as a Variant of Uncertain Significance.

NM_152617.4(RNF168):c.730G>A (p.Val244Ile)

Gene: RNF168 (ring finger protein 168; minus strand). Cytogenetic location: 3q29.
Variant type: single nucleotide variant.
Coding change: c.730G>A on transcript NM_152617.4 (MANE Select); coding-DNA position 730, G replaced by A.
Protein change: p.Val244Ile; replaces valine 244 with isoleucine.
Molecular consequence: missense variant.
Genome position (GRCh38, 1-based): chr3:196,475,263, C>T on the plus strand (G>A on the coding strand, the complement: RNF168 is on the minus strand). VCF-style: chr3-196475263-C-T. GRCh37 (hg19) VCF-style: chr3-196202134-C-T.
Other names: short protein forms V244I.
Identifiers: ClinVar variation 1927880 (VCV001927880.6), dbSNP rs772726527, ClinGen allele CA2780828.